The following is an entry in ClinVar:

NM_004415.4(DSP):c.8499T>C (p.Ser2833=)

Gene: DSP (desmoplakin; plus strand). Cytogenetic location: 6p24.3.
Variant type: single nucleotide variant.
Coding change: c.8499T>C on transcript NM_004415.4 (MANE Select); coding-DNA position 8499, T replaced by C.
Protein change: p.Ser2833=; no amino-acid change (serine 2833 retained).
Molecular consequence: synonymous variant.
Genome position (GRCh38, 1-based): chr6:7,585,761, T>C. VCF-style: chr6-7585761-T-C. GRCh37 (hg19) VCF-style: chr6-7585994-T-C.
Other names: c.6702T>C, p.Ser2234= (NM_001008844.3); c.7170T>C, p.Ser2390= (NM_001319034.2).
Identifiers: ClinVar variation 1332005 (VCV001332005.8), dbSNP rs1468666445, ClinGen allele CA448531252.
Genomic context (GRCh38, chr6:7,585,761, plus strand): 5'-ACCCAGCCCTTACAACATGTCTTCGGCTCCGGGGTCCCGCTCCGGCTCCCGCTCGGGATC[T>C]CGCTCCGGATCTCGCTCCGGGTCCCGCAGTGGGTCCCGGAGAGGAAGCTTTGACGCCACA-3'
Protein context (NP_004406.2, residues 2823-2843): PGSRSGSRSG[Ser2833=]RSGSRSGSRS

ClinVar aggregate classification (germline): Likely benign. Review status: criteria provided, multiple submitters, no conflicts (2 of 4 stars). 4 submissions from 4 submitters: Likely benign (4). Last evaluated 2026-06-18.

Conditions:
Cardiovascular phenotype. Identifiers: MedGen CN230736.
Cardiomyopathy (CMYO). Also called: Cardiomyopathies. Identifiers: Orphanet 167848, MedGen C0878544, MONDO:0004994, HP:0001638. Inheritance: Various modes of inheritance.
Arrhythmogenic cardiomyopathy with wooly hair and keratoderma. Also called: Arrhythmogenic cardiomyopathy with woolly hair and keratoderma; Carvajal syndrome; Dilated cardiomyopathy with woolly hair and keratoderma; PALMOPLANTAR KERATODERMA WITH LEFT VENTRICULAR CARDIOMYOPATHY AND WOOLLY HAIR. Identifiers: Orphanet 65282, MedGen C1854063, MONDO:0011581, OMIM 605676.
Arrhythmogenic right ventricular dysplasia 8 (ARVD8). Also called: Arrhythmogenic Right Ventricular Dysplasia/Cardiomyopathy 8; ARRHYTHMOGENIC RIGHT VENTRICULAR DYSPLASIA, FAMILIAL, 8; ARRHYTHMOGENIC RIGHT VENTRICULAR CARDIOMYOPATHY 8. Identifiers: MedGen C1843896, MONDO:0011831, OMIM 607450.

gnomAD v4.1: 2 of 1,607,512 alleles (0.00012%); highest among the groups gnomAD compares: East Asian, 0.0022%; no homozygotes.

Submissions (4):

Ambry Genetics
Classification: Likely benign for Cardiovascular phenotype. Last evaluated: 2026-06-18. Review status: criteria provided, single submitter. Criteria: Ambry Variant Classification Scheme 2023. Collection method: clinical testing. Allele origin: germline.

Labcorp Genetics (formerly Invitae), Labcorp
Classification: Likely benign for Arrhythmogenic cardiomyopathy with wooly hair and keratoderma; Arrhythmogenic right ventricular dysplasia 8. Last evaluated: 2025-12-17. Review status: criteria provided, single submitter. Criteria: Invitae Variant Classification Sherloc (09022015). Collection method: clinical testing. Allele origin: germline.

All of Us Research Program, National Institutes of Health
Classification: Likely benign for Arrhythmogenic cardiomyopathy with wooly hair and keratoderma. Last evaluated: 2024-04-25. Review status: criteria provided, single submitter. Criteria: ACMG Guidelines, 2015. Collection method: clinical testing. Allele origin: germline. Inheritance: Autosomal dominant inheritance. Observed: 2 variant alleles, 2 heterozygotes.
Comment: This study involves interpretation of variants in research participants for the purpose of population health screening. Participant phenotype was not available at the time of variant classification. Additional details can be found in publication PMID: 35346344, PMCID: PMC8962531

Color Diagnostics, LLC DBA Color Health
Classification: Likely benign for Cardiomyopathy. Last evaluated: 2021-07-26. Review status: criteria provided, single submitter. Criteria: ACMG Guidelines, 2015. Collection method: clinical testing. Allele origin: germline.